The following is an entry in ClinVar:

NM_174936.4(PCSK9):c.905A>G (p.Gln302Arg)

Gene: PCSK9 (proprotein convertase subtilisin/kexin type 9; plus strand). Cytogenetic location: 1p32.3.
Variant type: single nucleotide variant.
Coding change: c.905A>G on transcript NM_174936.4 (MANE Select); coding-DNA position 905, A replaced by G.
Protein change: p.Gln302Arg; replaces glutamine 302 with arginine.
Molecular consequence: missense variant.
Genome position (GRCh38, 1-based): chr1:55,056,098, A>G. VCF-style: chr1-55056098-A-G. GRCh37 (hg19) VCF-style: chr1-55521771-A-G.
Other names: c.1028A>G, p.Gln343Arg (NM_001407240.1); c.905A>G, p.Gln302Arg (NM_001407241.1, NM_001407244.1, NM_001407247.1); c.908A>G, p.Gln303Arg (NM_001407242.1); c.848A>G, p.Gln283Arg (NM_001407243.1); c.713A>G, p.Gln238Arg (NM_001407245.1); c.530A>G, p.Gln177Arg (NM_001407246.1); short protein forms Q302R, Q343R, Q283R, Q177R, Q238R, Q303R.
Identifiers: ClinVar variation 1331852 (VCV001331852.8), dbSNP rs759388119, ClinGen allele CA045039.

ClinVar aggregate classification (germline): Uncertain significance. Review status: criteria provided, multiple submitters, no conflicts (2 of 4 stars). 3 submissions from 3 submitters: Uncertain significance (3). Last evaluated 2025-08-20.

Conditions:
Cardiovascular phenotype. Identifiers: MedGen CN230736.
Familial hypercholesterolemia. Also called: Familial hypercholesterolemias; Familial hypercholesterolaemia. Identifiers: MedGen C0020445, MONDO:0005439.
Hypercholesterolemia, autosomal dominant, 3 (FHCL3). Also called: Familial hypercholesterolemia 3; PCSK9-Related Familial Hypercholesterolemia, Autosomal Dominant; Familial Hypercholesterolemia, Autosomal Dominant, 3. Identifiers: MedGen C1863551, MONDO:0011369, OMIM 603776.

Allele frequency attached by ClinVar (database versions not stated): ExAC 0.00001; gnomAD 0.00001; gnomAD exomes 0.00001 and 0.00002; TOPMed 0.00002.
gnomAD v4.1: 5 of 1,589,146 alleles (0.00031%); highest among the groups gnomAD compares: East Asian, 0.011%; no homozygotes.

Submissions (3):

Ambry Genetics
Classification: Uncertain significance for Cardiovascular phenotype. Last evaluated: 2025-08-20. Review status: criteria provided, single submitter. Criteria: Ambry Variant Classification Scheme 2023. Collection method: clinical testing. Allele origin: germline.
Comment: The p.Q302R variant (also known as c.905A>G), located in coding exon 6 of the PCSK9 gene, results from an A to G substitution at nucleotide position 905. The glutamine at codon 302 is replaced by arginine, an amino acid with highly similar properties. This amino acid position is conserved. In addition, this alteration is predicted to be tolerated by in silico analysis. Based on the available evidence, the clinical significance of this variant remains unclear.

All of Us Research Program, National Institutes of Health
Classification: Uncertain significance for Hypercholesterolemia, autosomal dominant, 3. Last evaluated: 2024-07-29. Review status: criteria provided, single submitter. Criteria: ACMG Guidelines, 2015. Collection method: clinical testing. Allele origin: germline. Inheritance: Autosomal dominant inheritance. Observed: 5 variant alleles, 5 heterozygotes.
Comment: This missense variant replaces glutamine with arginine at codon 302 of the PCSK9 protein. Computational prediction suggests that this variant may not impact protein structure and function (internally defined REVEL score threshold <= 0.5, PMID: 27666373). To our knowledge, functional studies have not been reported for this variant. This variant has not been reported in individuals affected with familial hypercholesterolemia in the literature. This variant has been identified in 5/258392 chromosomes in the general population by the Genome Aggregation Database (gnomAD). The available evidence is insufficient to determine the role of this variant in disease conclusively. Therefore, this variant is classified as a Variant of Uncertain Significance.

This study involves interpretation of variants in research participants for the purpose of population health screening. Participant phenotype was not available at the time of variant classification. Additional details can be found in publication PMID: 35346344, PMCID: PMC8962531

Color Diagnostics, LLC DBA Color Health
Classification: Uncertain significance for Familial hypercholesterolemia. Last evaluated: 2024-03-06. Review status: criteria provided, single submitter. Criteria: ACMG Guidelines, 2015. Collection method: clinical testing. Allele origin: germline.
Comment: This missense variant replaces glutamine with arginine at codon 302 of the PCSK9 protein. Computational prediction suggests that this variant may not impact protein structure and function (internally defined REVEL score threshold <= 0.5, PMID: 27666373). To our knowledge, functional studies have not been reported for this variant. This variant has not been reported in individuals affected with PCSK9-related disorders in the literature. This variant has been identified in 5/258392 chromosomes in the general population by the Genome Aggregation Database (gnomAD). The available evidence is insufficient to determine the role of this variant in disease conclusively. Therefore, this variant is classified as a Variant of Uncertain Significance.